The following is an entry in ClinVar:

NM_017950.4(CCDC40):c.3148G>A (p.Asp1050Asn)

Gene: CCDC40 (coiled-coil domain 40 molecular ruler complex subunit; plus strand). Cytogenetic location: 17q25.3.
Variant type: single nucleotide variant.
Coding change: c.3148G>A on transcript NM_017950.4 (MANE Select); coding-DNA position 3148, G replaced by A.
Protein change: p.Asp1050Asn; replaces aspartic acid 1050 with asparagine.
Molecular consequence: missense variant.
Genome position (GRCh38, 1-based): chr17:80,097,371, G>A. VCF-style: chr17-80097371-G-A. GRCh37 (hg19) VCF-style: chr17-78071170-G-A.
Other names: short protein forms D1050N.
Identifiers: ClinVar variation 1467950 (VCV001467950.8), dbSNP rs111550470, ClinGen allele CA8814633.

ClinVar aggregate classification (germline): Uncertain significance. Review status: criteria provided, multiple submitters, no conflicts (2 of 4 stars). 2 submissions from 2 submitters: Uncertain significance (2). Last evaluated 2025-06-12.

Conditions:
Primary ciliary dyskinesia. Also called: Ciliary dyskinesia. Identifiers: Orphanet 244, MedGen C0008780, MONDO:0016575, HP:0012265.

Allele frequency attached by ClinVar (database versions not stated): gnomAD 0.00001; ExAC 0.00002; gnomAD exomes 0.00002.
gnomAD v4.1: 31 of 1,613,878 alleles (0.0019%); highest among the groups gnomAD compares: Middle Eastern, 0.049%; no homozygotes.

Submissions (2):

Labcorp Genetics (formerly Invitae), Labcorp
Classification: Uncertain significance for Primary ciliary dyskinesia. Last evaluated: 2025-06-12. Review status: criteria provided, single submitter. Criteria: Invitae Variant Classification Sherloc (09022015). Collection method: clinical testing. Allele origin: germline.
Comment: This sequence change replaces aspartic acid, which is acidic and polar, with asparagine, which is neutral and polar, at codon 1050 of the CCDC40 protein (p.Asp1050Asn). This variant is present in population databases (rs111550470, gnomAD 0.01%). This variant has not been reported in the literature in individuals affected with CCDC40-related conditions. ClinVar contains an entry for this variant (Variation ID: 1467950). Invitae Evidence Modeling of protein sequence and biophysical properties (such as structural, functional, and spatial information, amino acid conservation, physicochemical variation, residue mobility, and thermodynamic stability) indicates that this missense variant is not expected to disrupt CCDC40 protein function with a negative predictive value of 80%. In summary, the available evidence is currently insufficient to determine the role of this variant in disease. Therefore, it has been classified as a Variant of Uncertain Significance.

Ambry Genetics
Classification: Uncertain significance for Primary ciliary dyskinesia. Last evaluated: 2022-11-18. Review status: criteria provided, single submitter. Criteria: Ambry Variant Classification Scheme 2023. Collection method: clinical testing. Allele origin: germline.